The following is an entry in ClinVar:

NM_000157.4(GBA1):c.1578C>G (p.Tyr526Ter)

Genes: GBA1 (glucosylceramidase beta 1; minus strand), LOC106627981 (GBA recombination region; plus strand). Cytogenetic location: 1q22.
Variant type: single nucleotide variant.
Coding change: c.1578C>G on transcript NM_000157.4 (MANE Select); coding-DNA position 1578, C replaced by G.
Protein change: p.Tyr526Ter; replaces tyrosine 526 with a stop codon.
Molecular consequence: nonsense.
Genome position (GRCh38, 1-based): chr1:155,235,028, G>C on the plus strand (C>G on the coding strand, the complement: GBA1 is on the minus strand). VCF-style: chr1-155235028-G-C. GRCh37 (hg19) VCF-style: chr1-155204819-G-C.
Other names: c.1578C>G, p.Tyr526Ter (NM_001005741.3, NM_001005742.3); c.1317C>G, p.Tyr439Ter (NM_001171811.2); c.1431C>G, p.Tyr477Ter (NM_001171812.2); short protein forms Y439*, Y477*, Y526*.
Identifiers: ClinVar variation 4817741 (VCV004817741.1).

ClinVar aggregate classification (germline): Likely pathogenic (1 of 4 stars; one submission).

Conditions:
Gaucher disease. Also called: Acute cerebral Gaucher disease; Cerebroside lipidosis syndrome; Gaucher splenomegaly; Sphingolipidosis 1; Glucocerebrosidosis; Glucosylceramidase deficiency. Identifiers: Orphanet 355, MedGen C0017205, MONDO:0018150.

Submission:

Natera, Inc.
Classification: Likely pathogenic for Gaucher disease. Last evaluated: 2025-12-23. Review status: criteria provided, single submitter. Criteria: Natera Variant Classification Schema (03/2026). Collection method: clinical testing. Allele origin: germline.
Comment: The c.1578C>G variant in GBA1 is a nonsense variant predicted to introduce a stop codon at amino acid 526. This variant is expected to result in nonsense mediated decay, truncation, or a dysfunctional protein product. This variant is rare in the general population with a frequency below the threshold expected for the associated phenotype(s). Given the available evidence, this variant is classified as Likely Pathogenic.